The following is an entry in ClinVar:

ClinVar aggregate classification (germline): Uncertain significance. Review status: criteria provided, multiple submitters, no conflicts (2 of 4 stars). 2 submissions from 2 submitters: Uncertain significance (2). Last evaluated 2026-07-07.

Conditions:
Hereditary cancer-predisposing syndrome. Also called: Hereditary neoplastic syndrome; Neoplastic Syndromes, Hereditary; Tumor predisposition; Hereditary Cancer Syndrome. Identifiers: Orphanet 140162, MedGen C0027672, MeSH D009386, MONDO:0015356.
Gorlin syndrome. Also called: Nevoid Basal Cell Carcinoma Syndrome; Basal cell nevus syndrome. Identifiers: Orphanet 377, MedGen C0004779, MONDO:0007187.

Submissions (2):

Ambry Genetics
Classification: Uncertain significance for Hereditary cancer-predisposing syndrome. Last evaluated: 2026-07-07. Review status: criteria provided, single submitter. Criteria: Ambry Variant Classification Scheme 2023. Collection method: clinical testing. Allele origin: germline.
Comment: The p.L1366P variant (also known as c.4097T>C), located in coding exon 23 of the PTCH1 gene, results from a T to C substitution at nucleotide position 4097. The leucine at codon 1366 is replaced by proline, an amino acid with similar properties. This amino acid position is conserved. In addition, this alteration is predicted to be deleterious by in silico analysis. Based on the available evidence, the clinical significance of this variant remains unclear.

Labcorp Genetics (formerly Invitae), Labcorp
Classification: Uncertain significance for Gorlin syndrome. Last evaluated: 2022-10-12. Review status: criteria provided, single submitter. Criteria: Invitae Variant Classification Sherloc (09022015). Collection method: clinical testing. Allele origin: germline.
Comment: This variant is not present in population databases (gnomAD no frequency). In summary, the available evidence is currently insufficient to determine the role of this variant in disease. Therefore, it has been classified as a Variant of Uncertain Significance. Advanced modeling of protein sequence and biophysical properties (such as structural, functional, and spatial information, amino acid conservation, physicochemical variation, residue mobility, and thermodynamic stability) has been performed at Invitae for this missense variant, however the output from this modeling did not meet the statistical confidence thresholds required to predict the impact of this variant on PTCH1 protein function. This variant has not been reported in the literature in individuals affected with PTCH1-related conditions. This sequence change replaces leucine, which is neutral and non-polar, with proline, which is neutral and non-polar, at codon 1432 of the PTCH1 protein (p.Leu1432Pro).

NM_000264.5(PTCH1):c.4295T>C (p.Leu1432Pro)

Gene: PTCH1 (patched 1; minus strand). Cytogenetic location: 9q22.32.
Variant type: single nucleotide variant.
Coding change: c.4295T>C on transcript NM_000264.5 (MANE Select); coding-DNA position 4295, T replaced by C.
Protein change: p.Leu1432Pro; replaces leucine 1432 with proline.
Molecular consequence: missense variant. On other transcripts: non-coding transcript variant (1).
Genome position (GRCh38, 1-based): chr9:95,446,961, A>G on the plus strand (T>C on the coding strand, the complement: PTCH1 is on the minus strand). VCF-style: chr9-95446961-A-G. GRCh37 (hg19) VCF-style: chr9-98209243-A-G.
Other names: c.4097T>C, p.Leu1366Pro (NM_001083602.3); c.4292T>C, p.Leu1431Pro (NM_001083603.3); c.3842T>C, p.Leu1281Pro (NM_001083604.3, NM_001083605.3, NM_001083606.3 and 1 more transcripts); c.4139T>C, p.Leu1380Pro (NM_001354918.2); short protein forms L1431P, L1281P, L1432P, L1380P, L1366P.
Identifiers: ClinVar variation 1976972 (VCV001976972.6), dbSNP rs755078405, ClinGen allele CA374109937.
Genomic context (GRCh38, chr9:95,446,961, plus strand): 5'-TGGCACTCACCTCAGTTGGAGCTGCTTCCCCGGGGCCTCTCCTCGCATTCCACGTCCTGC[A>G]GCTCAATGACTTCCACCTTCGAATCCCTCCTCTCACACCGGACGTGGAAAGGCACGTGGG-3'
Protein context (NP_000255.2, residues 1422-1442): RRDSKVEVIE[Leu1432Pro]QDVECEERPR